The following is an entry in ClinVar:

ClinVar aggregate classification (germline): Conflicting classifications of pathogenicity. Review status: criteria provided, conflicting classifications (1 of 4 stars). 2 submissions from 2 submitters: Uncertain significance (1); Likely benign (1). Last evaluated 2026-04-24.

Conditions:
Hereditary cancer-predisposing syndrome. Also called: Hereditary neoplastic syndrome; Neoplastic Syndromes, Hereditary; Tumor predisposition; Hereditary Cancer Syndrome. Identifiers: Orphanet 140162, MedGen C0027672, MeSH D009386, MONDO:0015356.
Peutz-Jeghers syndrome (PJS). Also called: POLYPOSIS, HAMARTOMATOUS INTESTINAL; POLYPS-AND-SPOTS SYNDROME; Peutz-Jeghers polyposis; Periorificial lentiginosis syndrome. Identifiers: Orphanet 2869, MedGen C0031269, MeSH D010580, MONDO:0008280, OMIM 175200.

Submissions (2):

Ambry Genetics
Classification: Likely benign for Hereditary cancer-predisposing syndrome. Last evaluated: 2026-04-24. Review status: criteria provided, single submitter. Criteria: Ambry Variant Classification Scheme 2023. Collection method: clinical testing. Allele origin: germline.

Labcorp Genetics (formerly Invitae), Labcorp
Classification: Uncertain significance for Peutz-Jeghers syndrome. Last evaluated: 2023-03-18. Review status: criteria provided, single submitter. Criteria: Invitae Variant Classification Sherloc (09022015). Collection method: clinical testing. Allele origin: germline.
Comment: This sequence change affects codon 268 of the STK11 mRNA. It is a 'silent' change, meaning that it does not change the encoded amino acid sequence of the STK11 protein. This variant is not present in population databases (gnomAD no frequency). This variant has not been reported in the literature in individuals affected with STK11-related conditions. Algorithms developed to predict the effect of sequence changes on RNA splicing suggest that this variant may create or strengthen a splice site. In summary, the available evidence is currently insufficient to determine the role of this variant in disease. Therefore, it has been classified as a Variant of Uncertain Significance.

NM_000455.5(STK11):c.804G>T (p.Gly268=)

Gene: STK11 (serine/threonine kinase 11; plus strand). Cytogenetic location: 19p13.3.
Variant type: single nucleotide variant.
Coding change: c.804G>T on transcript NM_000455.5 (MANE Select); coding-DNA position 804, G replaced by T.
Protein change: p.Gly268=; no amino-acid change (glycine 268 retained).
Molecular consequence: synonymous variant. On other transcripts: non-coding transcript variant (1).
Genome position (GRCh38, 1-based): chr19:1,221,282, G>T. VCF-style: chr19-1221282-G-T. GRCh37 (hg19) VCF-style: chr19-1221281-G-T.
Other names: c.804G>T, p.Gly268= (NM_001407255.1).
Identifiers: ClinVar variation 2847026 (VCV002847026.4), dbSNP rs2145427038, ClinGen allele CA504707194.
Genomic context (GRCh38, chr19:1,221,282, plus strand): 5'-CACCACGGGTCTGTACCCCTTCGAAGGGGACAACATCTACAAGTTGTTTGAGAACATCGG[G>T]AAGGGGAGCTACGCCATCCCGGGCGACTGTGGCCCCCCGCTCTCTGACCTGCTGAAAGGT-3'
Protein context (NP_000446.1, residues 258-278): DNIYKLFENI[Gly268=]KGSYAIPGDC